The following is an entry in ClinVar:

ClinVar aggregate classification (germline): Benign/Likely benign. Review status: criteria provided, multiple submitters, no conflicts (2 of 4 stars). 6 submissions from 6 submitters: Benign (2); Likely benign (4). Last evaluated 2026-01-27.

Allele frequency attached by ClinVar (database versions not stated): ExAC 0.00089; gnomAD exomes 0.00090; gnomAD 0.00169; TOPMed 0.00203; ESP Exome Variant Server 0.00208; 1000 Genomes Project 0.00240; 1000 Genomes Project 30x 0.00250.
gnomAD v4.1: 859 of 1,573,842 alleles (0.055%); highest among the groups gnomAD compares: East Asian, 0.54%; 3 homozygotes.

Submissions (6):

Labcorp Genetics (formerly Invitae), Labcorp
Classification: Benign. Last evaluated: 2026-01-27. Review status: criteria provided, single submitter. Criteria: Invitae Variant Classification Sherloc (09022015). Collection method: clinical testing. Allele origin: germline.

Blueprint Genetics
Classification: Likely benign. Last evaluated: 2024-10-02. Review status: criteria provided, single submitter. Criteria: ACMG Guidelines, 2015. Collection method: clinical testing. Allele origin: germline.

CeGaT Center for Human Genetics Tuebingen
Classification: Likely benign. Last evaluated: 2024-08-01. Review status: criteria provided, single submitter. Criteria: CeGaT Center For Human Genetics Tuebingen Variant Classification Criteria Version 2. Collection method: clinical testing. Allele origin: germline. Affected: yes. Observed: 2 variant alleles.
Comment: COL9A3: BP4, BP7

GeneDx
Classification: Likely benign. Last evaluated: 2021-09-22. Review status: criteria provided, single submitter. Criteria: GeneDx Variant Classification Process June 2021. Collection method: clinical testing. Allele origin: germline. Affected: yes.

Eurofins Ntd Llc (ga)
Classification: Benign. Last evaluated: 2015-01-17. Review status: criteria provided, single submitter. Criteria: EGL Classification Definitions 2015. Collection method: clinical testing. Allele origin: germline. Observed: 1 variant allele, 1 heterozygote.

Breakthrough Genomics
Classification: Likely benign. Review status: criteria provided, single submitter. Criteria: ACMG Guidelines, 2015. Collection method: not provided. Allele origin: germline. Inheritance: Autosomal recessive inheritance. Affected: yes.

NM_001853.4(COL9A3):c.468C>T (p.Pro156=)

Gene: COL9A3 (collagen type IX alpha 3 chain; plus strand). Cytogenetic location: 20q13.33.
Variant type: single nucleotide variant.
Coding change: c.468C>T on transcript NM_001853.4 (MANE Select); coding-DNA position 468, C replaced by T.
Protein change: p.Pro156=; no amino-acid change (proline 156 retained).
Molecular consequence: synonymous variant.
Genome position (GRCh38, 1-based): chr20:62,822,155, C>T. VCF-style: chr20-62822155-C-T. GRCh37 (hg19) VCF-style: chr20-61453507-C-T.
Other names: c.468C>T, p.Pro156= (LRG_1253t1).
Identifiers: ClinVar variation 199072 (VCV000199072.44), dbSNP rs137979802, ClinGen allele CA203737.